The following is an entry in ClinVar:

ClinVar aggregate classification (germline): Uncertain significance (1 of 4 stars; one submission).

Allele frequency attached by ClinVar (database versions not stated): TOPMed 0.00001; gnomAD 0.00002; gnomAD exomes 0.00004 and 0.00007; ExAC 0.00007; 1000 Genomes Project 30x 0.00016; 1000 Genomes Project 0.00020.

Submission:

Labcorp Genetics (formerly Invitae), Labcorp
Classification: Uncertain significance. Last evaluated: 2024-10-17. Review status: criteria provided, single submitter. Criteria: Invitae Variant Classification Sherloc (09022015). Collection method: clinical testing. Allele origin: germline.
Comment: This sequence change replaces threonine, which is neutral and polar, with isoleucine, which is neutral and non-polar, at codon 125 of the RNF31 protein (p.Thr125Ile). This variant is present in population databases (rs199945914, gnomAD 0.07%), and has an allele count higher than expected for a pathogenic variant. This variant has not been reported in the literature in individuals affected with RNF31-related conditions. ClinVar contains an entry for this variant (Variation ID: 1489028). An algorithm developed to predict the effect of missense changes on protein structure and function (PolyPhen-2) suggests that this variant is likely to be disruptive. In summary, the available evidence is currently insufficient to determine the role of this variant in disease. Therefore, it has been classified as a Variant of Uncertain Significance.

NM_017999.5(RNF31):c.374C>T (p.Thr125Ile)

Gene: RNF31 (ring finger protein 31; plus strand). Cytogenetic location: 14q12.
Variant type: single nucleotide variant.
Coding change: c.374C>T on transcript NM_017999.5 (MANE Select); coding-DNA position 374, C replaced by T.
Protein change: p.Thr125Ile; replaces threonine 125 with isoleucine.
Molecular consequence: missense variant. On other transcripts: 5 prime UTR variant (1).
Genome position (GRCh38, 1-based): chr14:24,148,292, C>T. VCF-style: chr14-24148292-C-T. GRCh37 (hg19) VCF-style: chr14-24617501-C-T.
Other names: c.-144C>T (NM_001310332.2); short protein forms T125I.
Identifiers: ClinVar variation 1489028 (VCV001489028.9), dbSNP rs199945914, ClinGen allele CA7125445.